The following is an entry in ClinVar:

NM_001023.4(RPS20):c.255C>T (p.His85=)

Gene: RPS20 (ribosomal protein S20; minus strand). Cytogenetic location: 8q12.1.
Variant type: single nucleotide variant.
Coding change: c.255C>T on transcript NM_001023.4 (MANE Select); coding-DNA position 255, C replaced by T.
Protein change: p.His85=; no amino-acid change (histidine 85 retained).
Molecular consequence: synonymous variant.
Genome position (GRCh38, 1-based): chr8:56,073,195, G>A on the plus strand (C>T on the coding strand, the complement: RPS20 is on the minus strand). VCF-style: chr8-56073195-G-A. GRCh37 (hg19) VCF-style: chr8-56985754-G-A.
Other names: c.255C>T, p.His85= (NM_001146227.3).
Identifiers: ClinVar variation 1793067 (VCV001793067.3), dbSNP rs1809815040, ClinGen allele CA460824026.

ClinVar aggregate classification (germline): Benign/Likely benign. Review status: criteria provided, multiple submitters, no conflicts (2 of 4 stars). 2 submissions from 2 submitters: Benign (1); Likely benign (1). Last evaluated 2026-08-04.

Conditions:
Familial colorectal cancer type X. Identifiers: Orphanet 440437, MedGen C3896578, MONDO:0018604.

Allele frequency attached by ClinVar (database versions not stated): gnomAD 0.00001; gnomAD exomes below 0.00001.
gnomAD v4.1: 4 of 1,601,954 alleles (0.00025%); highest among the groups gnomAD compares: Admixed American, 0.0017%; no homozygotes.

Submissions (2):

Myriad Genetics, Inc.
Classification: Benign for Familial colorectal cancer type X. Last evaluated: 2026-08-04. Review status: criteria provided, single submitter. Criteria: Myriad Autosomal Dominant, Autosomal Recessive and X-Linked Classification Criteria (2023). Collection method: clinical testing. Allele origin: unknown.
Comment: This variant is considered benign. This variant is a silent/synonymous amino acid change and it is not expected to impact splicing.

Ambry Genetics
Classification: Likely benign. Last evaluated: 2022-05-31. Review status: criteria provided, single submitter. Criteria: Ambry Variant Classification Scheme 2023. Collection method: clinical testing. Allele origin: germline.